The following is an entry in ClinVar:

NM_021625.5(TRPV4):c.769C>G (p.Leu257Val)

Gene: TRPV4 (transient receptor potential cation channel subfamily V member 4; minus strand). Cytogenetic location: 12q24.11.
Variant type: single nucleotide variant.
Coding change: c.769C>G on transcript NM_021625.5 (MANE Select); coding-DNA position 769, C replaced by G.
Protein change: p.Leu257Val; replaces leucine 257 with valine.
Molecular consequence: missense variant. On other transcripts: intron variant (2).
Genome position (GRCh38, 1-based): chr12:109,800,702, G>C on the plus strand (C>G on the coding strand, the complement: TRPV4 is on the minus strand). VCF-style: chr12-109800702-G-C. GRCh37 (hg19) VCF-style: chr12-110238507-G-C.
Other names: c.667C>G, p.Leu223Val (NM_001177431.2); c.769C>G, p.Leu257Val (NM_147204.3); c.713-1790C>G (NM_001177433.1, NM_001177428.1); short protein forms L257V, L223V.
Identifiers: ClinVar variation 215921 (VCV000215921.61), dbSNP rs56217500, ClinGen allele CA339152.

ClinVar aggregate classification (germline): Benign/Likely benign. Review status: criteria provided, multiple submitters, no conflicts (2 of 4 stars). 20 submissions from 15 submitters: Benign (7); Likely benign (10). 3 of the submissions do not count toward it. Last evaluated 2026-04-01.

Conditions:
Inborn genetic diseases. Identifiers: MedGen C0950123, MeSH D030342.
TRPV4-related disorder. Also called: TRPV4-related condition; TRPV4-related disorders.
Charcot-Marie-Tooth disease. Also called: Charcot-Marie-Tooth Hereditary Neuropathy; Charcot-Marie-Tooth Neuropathy. Identifiers: Orphanet 166, MedGen C0007959, MONDO:0015626.
Charcot-Marie-Tooth disease axonal type 2C (HMSN2C). Also called: Charcot-Marie-Tooth Disease Type 2, TRPV4-Related (CMT2C); CHARCOT-MARIE-TOOTH DISEASE, AXONAL, AUTOSOMAL DOMINANT, TYPE 2C; Charcot-Marie-Tooth Neuropathy Type 2C. Identifiers: Orphanet 99937, MedGen C1853710, MONDO:0011633, OMIM 606071.
Metatropic dysplasia (MTD). Also called: Metatropic Dysplasia, TRPV4-Related; Metatropic dysplasia, nonlethal dominant; METATROPIC DWARFISM. Identifiers: Orphanet 2635, MedGen C0265281, MONDO:0007986, OMIM 156530.
Scapuloperoneal spinal muscular atrophy (SPSMA). Also called: Scapuloperoneal Spinal Muscular Atrophy, TRPV4-Related; AMYOTROPHY, NEUROGENIC SCAPULOPERONEAL, NEW ENGLAND TYPE; Scapuloperoneal Form of Spinal Muscular Atrophy; Scapuloperoneal spinal muscular atrophy, autosomal dominant. Identifiers: Orphanet 431255, MedGen C0751335, MONDO:0008408, OMIM 181405.
Neuronopathy, distal hereditary motor, autosomal dominant 8. Also called: SPINAL MUSCULAR ATROPHY, CONGENITAL BENIGN, WITH CONTRACTURES; NEURONOPATHY, DISTAL HEREDITARY MOTOR, TYPE VIII; NEUROPATHY, DISTAL HEREDITARY MOTOR, TYPE VIII; Autosomal dominant congenital benign spinal muscular atrophy. Identifiers: Orphanet 1216, MedGen C1838492, MONDO:0010839, OMIM 600175.
Brachyrachia (short spine dysplasia) (BCYM3). Also called: Brachyolmia, TRPV4-Related; Brachyolmia Type 3; BRACHYRACHIA; Autosomal dominant brachyolmia. Identifiers: Orphanet 93304, MedGen C0432227, MONDO:0007232, OMIM 113500.
Spondylometaphyseal dysplasia, Kozlowski type (SMDK). Also called: Spondylometaphyseal Dysplasia, TRPV4-Related (Kozlowski Type); Dysmorphism arthrogryposis skeletal maturation advanced; Jequier-Kozlowski syndrome; Skeletal dysplasia Jequier-Kozlowski type; SMD Kozlowski type. Identifiers: Orphanet 93314, MedGen C0265280, MONDO:0008477, OMIM 184252.

Allele frequency attached by ClinVar (database versions not stated): TOPMed 0.00092; 1000 Genomes Project 0.00040; gnomAD 0.00051; gnomAD exomes 0.00076; 1000 Genomes Project 30x 0.00031; ExAC 0.00080; ESP Exome Variant Server 0.00077.
gnomAD v4.1: 1,587 of 1,614,164 alleles (0.098%); highest among the groups gnomAD compares: Non-Finnish European, 0.13%; no homozygotes.

Submissions (20):

CeGaT Center for Human Genetics Tuebingen
Classification: Likely benign. Last evaluated: 2026-04-01. Review status: criteria provided, single submitter. Criteria: CeGaT Center For Human Genetics Tuebingen Variant Classification Criteria Version 2. Collection method: clinical testing. Allele origin: germline. Affected: yes. Observed: 9 variant alleles.
Comment: TRPV4: BS1

Labcorp Genetics (formerly Invitae), Labcorp
Classification: Likely benign for Charcot-Marie-Tooth disease axonal type 2C. Last evaluated: 2026-02-02. Review status: criteria provided, single submitter. Criteria: Invitae Variant Classification Sherloc (09022015). Collection method: clinical testing. Allele origin: germline.

Mayo Clinic Laboratories, Mayo Clinic
Classification: Likely benign. Last evaluated: 2025-04-29. Review status: criteria provided, single submitter. Criteria: ACMG Guidelines, 2015. Collection method: clinical testing. Allele origin: germline. Observed: 2 variant alleles.
Comment: BS1, PP3

PreventionGenetics, part of Exact Sciences
Classification: Likely benign for TRPV4-related condition. Last evaluated: 2025-04-07. Review status: criteria provided, single submitter. Criteria: ACMG Guidelines, 2015. Collection method: clinical testing. Allele origin: germline.
Comment: This variant is classified as likely benign based on ACMG/AMP sequence variant interpretation guidelines (Richards et al. 2015 PMID: 25741868, with internal and published modifications).

Blueprint Genetics
Classification: Likely benign. Last evaluated: 2024-11-05. Review status: criteria provided, single submitter. Criteria: ACMG Guidelines, 2015. Collection method: clinical testing. Allele origin: germline.

ARUP Laboratories, Molecular Genetics and Genomics, ARUP Laboratories
Classification: Likely benign. Last evaluated: 2023-10-19. Review status: criteria provided, single submitter. Criteria: ARUP Molecular Germline Variant Investigation Process 2024. Collection method: clinical testing. Allele origin: germline.

Ambry Genetics
Classification: Likely benign for Inborn genetic diseases. Last evaluated: 2019-10-26. Review status: criteria provided, single submitter. Criteria: Ambry Variant Classification Scheme 2023. Collection method: clinical testing. Allele origin: germline.

GeneDx
Classification: Benign. Last evaluated: 2019-07-24. Review status: criteria provided, single submitter. Criteria: GeneDx Variant Classification Process June 2021. Collection method: clinical testing. Allele origin: germline. Affected: yes.
Comment: This variant is associated with the following publications: (PMID: 22851605, 25356899)

Illumina Laboratory Services, Illumina
Classification: Likely benign for Charcot-Marie-Tooth disease axonal type 2C. Last evaluated: 2018-01-13. Review status: criteria provided, single submitter. Criteria: ICSL Variant Classification Criteria 13 December 2019. Collection method: clinical testing. Allele origin: germline.
Comment: This variant was observed in the ICSL laboratory as part of a predisposition screen in an ostensibly healthy population. It had not been previously curated by ICSL or reported in the Human Gene Mutation Database (HGMD: prior to June 1st, 2018), and was therefore a candidate for classification through an automated scoring system. Utilizing variant allele frequency, disease prevalence and penetrance estimates, and inheritance mode, an automated score was calculated to assess if this variant is too frequent to cause the disease. Based on the score and internal cut-off values, a variant classified as likely benign is not then subjected to further curation. The score for this variant resulted in a classification of likely benign for this disease.

Illumina Laboratory Services, Illumina
Classification: Benign for Scapuloperoneal spinal muscular atrophy. Last evaluated: 2018-01-13. Review status: criteria provided, single submitter. Criteria: ICSL Variant Classification Criteria 13 December 2019. Collection method: clinical testing. Allele origin: germline.
Comment: This variant was observed in the ICSL laboratory as part of a predisposition screen in an ostensibly healthy population. It had not been previously curated by ICSL or reported in the Human Gene Mutation Database (HGMD: prior to June 1st, 2018), and was therefore a candidate for classification through an automated scoring system. Utilizing variant allele frequency, disease prevalence and penetrance estimates, and inheritance mode, an automated score was calculated to assess if this variant is too frequent to cause the disease. Based on the score and internal cut-off values, a variant classified as benign is not then subjected to further curation. The score for this variant resulted in a classification of benign for this disease.

Illumina Laboratory Services, Illumina
Classification: Benign for Spondylometaphyseal dysplasia, Kozlowski type. Last evaluated: 2018-01-13. Review status: criteria provided, single submitter. Criteria: ICSL Variant Classification Criteria 13 December 2019. Collection method: clinical testing. Allele origin: germline.
Comment: the same text as in the submission from Illumina Laboratory Services, Illumina above.

Illumina Laboratory Services, Illumina
Classification: Benign for Brachyrachia (short spine dysplasia). Last evaluated: 2018-01-13. Review status: criteria provided, single submitter. Criteria: ICSL Variant Classification Criteria 13 December 2019. Collection method: clinical testing. Allele origin: germline.
Comment: the same text as in the submission from Illumina Laboratory Services, Illumina above.

Illumina Laboratory Services, Illumina
Classification: Benign for Neuronopathy, distal hereditary motor, autosomal dominant 8. Last evaluated: 2018-01-13. Review status: criteria provided, single submitter. Criteria: ICSL Variant Classification Criteria 13 December 2019. Collection method: clinical testing. Allele origin: germline.
Comment: the same text as in the submission from Illumina Laboratory Services, Illumina above.

Illumina Laboratory Services, Illumina
Classification: Benign for Metatropic dysplasia. Last evaluated: 2018-01-13. Review status: criteria provided, single submitter. Criteria: ICSL Variant Classification Criteria 13 December 2019. Collection method: clinical testing. Allele origin: germline.
Comment: the same text as in the submission from Illumina Laboratory Services, Illumina above.

Eurofins Ntd Llc (ga)
Classification: Likely benign. Last evaluated: 2017-09-20. Review status: criteria provided, single submitter. Criteria: EGL Classification Definitions 2015. Collection method: clinical testing. Allele origin: germline. Observed: 2 variant alleles, 2 heterozygotes.

Athena Diagnostics
Classification: Benign. Last evaluated: 2017-04-10. Review status: criteria provided, single submitter. Criteria: Athena Diagnostics Criteria. Collection method: clinical testing. Allele origin: germline.

Molecular Genetics Laboratory, London Health Sciences Centre
Classification: Likely benign for Charcot-Marie-Tooth disease. Review status: criteria provided, single submitter. Criteria: ACMG Guidelines, 2015. Collection method: clinical testing. Allele origin: germline. Affected: yes.

Clinical Genetics, Academic Medical Center
Classification: Likely benign. Review status: no assertion criteria provided. Collection method: clinical testing. Allele origin: germline. Affected: yes. Study: VKGL Data-share Consensus. Not counted in ClinVar's aggregate classification.

Diagnostic Laboratory, Department of Genetics, University Medical Center Groningen
Classification: Likely benign. Review status: no assertion criteria provided. Collection method: clinical testing. Allele origin: germline. Affected: yes. Study: VKGL Data-share Consensus. Not counted in ClinVar's aggregate classification.

Genome Diagnostics Laboratory, University Medical Center Utrecht
Classification: Likely benign. Review status: no assertion criteria provided. Collection method: clinical testing. Allele origin: germline. Affected: yes. Study: VKGL Data-share Consensus. Not counted in ClinVar's aggregate classification.